The following is an entry in ClinVar:

ClinVar aggregate classification (germline): Uncertain significance (1 of 4 stars; one submission).

Submission:

GeneDx
Classification: Uncertain significance. Last evaluated: 2024-02-13. Review status: criteria provided, single submitter. Criteria: GeneDx Variant Classification Process June 2021. Collection method: clinical testing. Allele origin: germline. Affected: yes.
Comment: Not observed at significant frequency in large population cohorts (gnomAD); In silico analysis supports that this missense variant does not alter protein structure/function; Has not been previously published as pathogenic or benign to our knowledge

NM_014915.3(ANKRD26):c.2915C>T (p.Ser972Phe)

Gene: ANKRD26 (ankyrin repeat domain containing 26; minus strand). Cytogenetic location: 10p12.1.
Variant type: single nucleotide variant.
Coding change: c.2915C>T on transcript NM_014915.3 (MANE Select); coding-DNA position 2915, C replaced by T.
Protein change: p.Ser972Phe; replaces serine 972 with phenylalanine.
Molecular consequence: missense variant.
Genome position (GRCh38, 1-based): chr10:27,035,535, G>A on the plus strand (C>T on the coding strand, the complement: ANKRD26 is on the minus strand). VCF-style: chr10-27035535-G-A. GRCh37 (hg19) VCF-style: chr10-27324464-G-A.
Other names: c.2912C>T, p.Ser971Phe (NM_001256053.2); short protein forms S971F, S972F.
Identifiers: ClinVar variation 3369172 (VCV003369172.1).
Genomic context (GRCh38, chr10:27,035,535, plus strand): 5'-AGTTTAGAATTTAGCATTGCATTCTCAGCTGTCAGAACACTAAGCCGTCCATTATACTGG[G>A]ATATTGTTTGTGTTAATGTTTCCTCATTCTGTTTTATAGTCTTCTGAAGGTCTTCATTCT-3'
Protein context (NP_055730.2, residues 962-982): QNEETLTQTI[Ser972Phe]QYNGRLSVLT